The following is an entry in ClinVar:

ClinVar aggregate classification (germline): Benign/Likely benign. Review status: criteria provided, multiple submitters, no conflicts (2 of 4 stars). 7 submissions from 7 submitters: Benign (5); Likely benign (2). Last evaluated 2026-01-27.

Conditions:
Spastic paraplegia. Identifiers: MedGen C0037772, HP:0001258.
Hereditary spastic paraplegia 15 (SPG15). Also called: KJELLIN SYNDROME; SPASTIC PARAPLEGIA AND RETINAL DEGENERATION; SPASTIC PARAPLEGIA 15, AUTOSOMAL RECESSIVE. Identifiers: Orphanet 100996, MedGen C1849128, MONDO:0010044, OMIM 270700.
Hereditary spastic paraplegia. Also called: Familial spastic paraparesis. Identifiers: Orphanet 685, MedGen C0037773, MONDO:0019064. Disease mechanism: loss of function.

Allele frequency attached by ClinVar (database versions not stated): ESP Exome Variant Server 0.00015; gnomAD 0.00201; TOPMed 0.00240; ExAC 0.00455; gnomAD exomes 0.00537; 1000 Genomes Project 0.00559; 1000 Genomes Project 30x 0.00562.
gnomAD v4.1: 2,712 of 1,613,450 alleles (0.17%); highest among the groups gnomAD compares: Admixed American, 2%; 34 homozygotes.

Submissions (7):

Labcorp Genetics (formerly Invitae), Labcorp
Classification: Benign for Spastic paraplegia. Last evaluated: 2026-01-27. Review status: criteria provided, single submitter. Criteria: Invitae Variant Classification Sherloc (09022015). Collection method: clinical testing. Allele origin: germline.

Genome-Nilou Lab
Classification: Benign for Hereditary spastic paraplegia 15. Last evaluated: 2021-12-05. Review status: criteria provided, single submitter. Criteria: ACMG Guidelines, 2015. Collection method: clinical testing. Allele origin: germline. Affected: no.

Genome Diagnostics Laboratory, The Hospital for Sick Children
Classification: Likely benign for Hereditary spastic paraplegia. Last evaluated: 2021-06-13. Review status: criteria provided, single submitter. Criteria: ACMG Guidelines, 2015. Collection method: clinical testing. Allele origin: germline. Affected: yes.

Mayo Clinic Laboratories, Mayo Clinic
Classification: Benign. Last evaluated: 2019-03-20. Review status: criteria provided, single submitter. Criteria: ACMG Guidelines, 2015. Collection method: clinical testing. Allele origin: germline. Observed: 1 variant allele.

Illumina Laboratory Services, Illumina
Classification: Benign for Hereditary spastic paraplegia 15. Last evaluated: 2017-04-27. Review status: criteria provided, single submitter. Criteria: ICSL Variant Classification Criteria 13 December 2019. Collection method: clinical testing. Allele origin: germline.
Comment: This variant was observed as part of a predisposition screen in an ostensibly healthy population. A literature search was performed for the gene, cDNA change, and amino acid change (where applicable). No publications were found based on this search. Allele frequency data from public databases was too high to be consistent with this variant causing disease. Therefore, this variant is classified as benign.

GeneDx
Classification: Benign. Last evaluated: 2016-08-26. Review status: criteria provided, single submitter. Criteria: GeneDx Variant Classification (06012015). Collection method: clinical testing. Allele origin: germline. Affected: yes.
Comment: This variant is considered likely benign or benign based on one or more of the following criteria: it is a conservative change, it occurs at a poorly conserved position in the protein, it is predicted to be benign by multiple in silico algorithms, and/or has population frequency not consistent with disease.

Breakthrough Genomics
Classification: Likely benign. Review status: criteria provided, single submitter. Criteria: ACMG Guidelines, 2015. Collection method: not provided. Allele origin: germline. Inheritance: Autosomal recessive inheritance. Affected: yes.

NM_015346.4(ZFYVE26):c.1933A>G (p.Met645Val)

Gene: ZFYVE26 (zinc finger FYVE-type containing 26; minus strand). Cytogenetic location: 14q24.1.
Variant type: single nucleotide variant.
Coding change: c.1933A>G on transcript NM_015346.4 (MANE Select); coding-DNA position 1933, A replaced by G.
Protein change: p.Met645Val; replaces methionine 645 with valine.
Molecular consequence: missense variant.
Genome position (GRCh38, 1-based): chr14:67,798,329, T>C on the plus strand (A>G on the coding strand, the complement: ZFYVE26 is on the minus strand). VCF-style: chr14-67798329-T-C. GRCh37 (hg19) VCF-style: chr14-68265046-T-C.
Other names: p.Met645Val; short protein forms M645V.
Identifiers: ClinVar variation 385569 (VCV000385569.21), dbSNP rs77129887, ClinGen allele CA7240420.